The following is an entry in ClinVar:

NM_000384.3(APOB):c.7424C>T (p.Ala2475Val)

Gene: APOB (apolipoprotein B; minus strand). Cytogenetic location: 2p24.1.
Variant type: single nucleotide variant.
Coding change: c.7424C>T on transcript NM_000384.3 (MANE Select); coding-DNA position 7424, C replaced by T.
Protein change: p.Ala2475Val; replaces alanine 2475 with valine.
Molecular consequence: missense variant.
Genome position (GRCh38, 1-based): chr2:21,009,444, G>A on the plus strand (C>T on the coding strand, the complement: APOB is on the minus strand). VCF-style: chr2-21009444-G-A. GRCh37 (hg19) VCF-style: chr2-21232316-G-A.
Other names: short protein forms A2475V.
Identifiers: ClinVar variation 3415439 (VCV003415439.1).

ClinVar aggregate classification (germline): Uncertain significance (1 of 4 stars; one submission).

Conditions:
Cardiovascular phenotype. Identifiers: MedGen CN230736.

gnomAD v4.1: 1 of 1,614,022 alleles (0.000062%); highest among the groups gnomAD compares: Non-Finnish European, 0.000085%; no homozygotes.

Submission:

Ambry Genetics
Classification: Uncertain significance for Cardiovascular phenotype. Last evaluated: 2024-06-27. Review status: criteria provided, single submitter. Criteria: Ambry Variant Classification Scheme 2023. Collection method: clinical testing. Allele origin: germline.
Comment: The p.A2475V variant (also known as c.7424C>T), located in coding exon 26 of the APOB gene, results from a C to T substitution at nucleotide position 7424. The alanine at codon 2475 is replaced by valine, an amino acid with similar properties. This amino acid position is conserved. In addition, this alteration is predicted to be tolerated by in silico analysis. Based on the available evidence, the clinical significance of this variant remains unclear.